The following is an entry in ClinVar:

ClinVar aggregate classification (germline): Uncertain significance. Review status: criteria provided, multiple submitters, no conflicts (2 of 4 stars). 2 submissions from 2 submitters: Uncertain significance (2). Last evaluated 2025-12-08.

Conditions:
Hereditary cancer-predisposing syndrome. Also called: Tumor predisposition; Neoplastic Syndromes, Hereditary; Hereditary Cancer Syndrome; Hereditary neoplastic syndrome. Identifiers: Orphanet 140162, MedGen C0027672, MeSH D009386, MONDO:0015356.
Hereditary nonpolyposis colorectal neoplasms. Identifiers: MedGen C0009405, MeSH D003123.

gnomAD v4.1: 1 of 1,597,766 alleles (0.000063%); highest among the groups gnomAD compares: Non-Finnish European, 0.000085%; no homozygotes.

Submissions (2):

Ambry Genetics
Classification: Uncertain significance for Hereditary cancer-predisposing syndrome. Last evaluated: 2025-12-08. Review status: criteria provided, single submitter. Criteria: Ambry Variant Classification Scheme 2023. Collection method: clinical testing. Allele origin: germline.
Comment: The p.G108R variant (also known as c.322G>A), located in coding exon 4 of the PMS2 gene, results from a G to A substitution at nucleotide position 322. The glycine at codon 108 is replaced by arginine, an amino acid with dissimilar properties. This amino acid position is highly conserved in available vertebrate species. In addition, this alteration is predicted to be deleterious by in silico analysis. Based on the available evidence, the clinical significance of this variant remains unclear.

Labcorp Genetics (formerly Invitae), Labcorp
Classification: Uncertain significance for Hereditary nonpolyposis colorectal neoplasms. Last evaluated: 2022-01-23. Review status: criteria provided, single submitter. Criteria: Invitae Variant Classification Sherloc (09022015). Collection method: clinical testing. Allele origin: germline.
Comment: This variant is not present in population databases (gnomAD no frequency). In summary, the available evidence is currently insufficient to determine the role of this variant in disease. Therefore, it has been classified as a Variant of Uncertain Significance. Advanced modeling of protein sequence and biophysical properties (such as structural, functional, and spatial information, amino acid conservation, physicochemical variation, residue mobility, and thermodynamic stability) performed at Invitae indicates that this missense variant is expected to disrupt PMS2 protein function. This variant has not been reported in the literature in individuals affected with PMS2-related conditions. This sequence change replaces glycine, which is neutral and non-polar, with arginine, which is basic and polar, at codon 108 of the PMS2 protein (p.Gly108Arg).

Literature cited by the submitters: PubMed 28668860 (cited by Ambry Genetics).

NM_000535.7(PMS2):c.322G>A (p.Gly108Arg)

Gene: PMS2 (PMS1 homolog 2, mismatch repair system component; minus strand). Cytogenetic location: 7p22.1.
Variant type: single nucleotide variant.
Coding change: c.322G>A on transcript NM_000535.7 (MANE Select); coding-DNA position 322, G replaced by A.
Protein change: p.Gly108Arg; replaces glycine 108 with arginine.
Molecular consequence: missense variant. On other transcripts: 5 prime UTR variant (9), non-coding transcript variant (1), intron variant (2).
Genome position (GRCh38, 1-based): chr7:6,003,721, C>T on the plus strand (G>A on the coding strand, the complement: PMS2 is on the minus strand). VCF-style: chr7-6003721-C-T. GRCh37 (hg19) VCF-style: chr7-6043352-C-T.
Other names: c.-84G>A (NM_001018040.1, NM_001322003.2, NM_001322004.2 and 14 more transcripts); c.322G>A, p.Gly108Arg (NM_001322006.2, NM_001322014.2, NM_001406869.1 and 8 more transcripts); c.-563G>A (NM_001322011.2, NM_001322012.2); c.-163G>A (NM_001322015.2, NM_001406875.1, NM_001406877.1 and 3 more transcripts); c.508G>A, p.Gly170Arg (NM_001406866.1); c.346G>A, p.Gly116Arg (NM_001406868.1); c.-74G>A (NM_001406890.1); c.35+251G>A (NM_001322008.2, NM_001322007.2); short protein forms G108R, G116R, G170R.
Identifiers: ClinVar variation 1729176 (VCV001729176.8), dbSNP rs750866397, ClinGen allele CA366744585.